The following is an entry in ClinVar:

NM_201384.3(PLEC):c.1745T>C (p.Leu582Pro)

Gene: PLEC (plectin; minus strand). Cytogenetic location: 8q24.3.
Variant type: single nucleotide variant.
Coding change: c.1745T>C on transcript NM_201384.3 (MANE Select); coding-DNA position 1745, T replaced by C.
Protein change: p.Leu582Pro; replaces leucine 582 with proline.
Molecular consequence: missense variant.
Genome position (GRCh38, 1-based): chr8:143,932,705, A>G on the plus strand (T>C on the coding strand, the complement: PLEC is on the minus strand). VCF-style: chr8-143932705-A-G. GRCh37 (hg19) VCF-style: chr8-145006873-A-G.
Other names: c.1826T>C, p.Leu609Pro (NM_000445.5); c.1703T>C, p.Leu568Pro (NM_201378.4); c.1679T>C, p.Leu560Pro (NM_201379.3); c.2156T>C, p.Leu719Pro (NM_201380.4); c.1649T>C, p.Leu550Pro (NM_201381.3); c.1745T>C, p.Leu582Pro (NM_201382.4); c.1757T>C, p.Leu586Pro (NM_201383.3); c.1826T>C (NM_000445.3); short protein forms L586P, L568P, L609P, L550P, L560P, L582P, L719P.
Identifiers: ClinVar variation 1444871 (VCV001444871.11), dbSNP rs1827745982, ClinGen allele CA372579055.

ClinVar aggregate classification (germline): Uncertain significance. Review status: criteria provided, multiple submitters, no conflicts (2 of 4 stars). 3 submissions from 3 submitters: Uncertain significance (3). Last evaluated 2024-09-11.

Conditions:
Epidermolysis bullosa simplex 5B, with muscular dystrophy (EBS5B). Also called: Epidermolysis bullosa simplex with muscular dystrophy; EPIDERMOLYSIS BULLOSA SIMPLEX AND LIMB-GIRDLE MUSCULAR DYSTROPHY. Identifiers: Orphanet 257, MedGen C2931072, MONDO:0009181, OMIM 226670.
Epidermolysis bullosa simplex, Ogna type (EBS5A). Also called: Pidermolysis bullosa simplex 5A, Ogna type; EPIDERMOLYSIS BULLOSA SIMPLEX 5A, OGNA TYPE. Identifiers: Orphanet 79401, MedGen C0432317, MONDO:0007555, OMIM 131950.
Epidermolysis bullosa simplex with nail dystrophy (EBS5D). Identifiers: MedGen C4225309, MONDO:0014661, OMIM 616487.
Epidermolysis bullosa simplex 5C, with pyloric atresia (EBS5C). Also called: Epidermolysis bullosa simplex with pyloric atresia; PLEC-Related Epidermolysis Bullosa with Pyloric Atresia; PLEC1-Related Epidermolysis Bullosa with Pyloric Atresia. Identifiers: Orphanet 158684, MedGen C2677349, MONDO:0012807, OMIM 612138.
Autosomal recessive limb-girdle muscular dystrophy type 2Q (LGMDR17). Also called: MUSCULAR DYSTROPHY, LIMB-GIRDLE, AUTOSOMAL RECESSIVE 17. Identifiers: Orphanet 254361, MedGen C3150989, MONDO:0013390, OMIM 613723.
Inborn genetic diseases. Identifiers: MedGen C0950123, MeSH D030342.

Allele frequency attached by ClinVar (database versions not stated): TOPMed below 0.00001.

Submissions (3):

Ambry Genetics
Classification: Uncertain significance for Inborn genetic diseases. Last evaluated: 2024-09-11. Review status: criteria provided, single submitter. Criteria: Ambry Variant Classification Scheme 2023. Collection method: clinical testing. Allele origin: germline.

Labcorp Genetics (formerly Invitae), Labcorp
Classification: Uncertain significance for Autosomal recessive limb-girdle muscular dystrophy type 2Q; Epidermolysis bullosa simplex, Ogna type; Epidermolysis bullosa simplex with nail dystrophy; Epidermolysis bullosa simplex 5C, with pyloric atresia; Epidermolysis bullosa simplex 5B, with muscular dystrophy. Last evaluated: 2021-01-08. Review status: criteria provided, single submitter. Criteria: Invitae Variant Classification Sherloc (09022015). Collection method: clinical testing. Allele origin: germline.
Comment: In summary, the available evidence is currently insufficient to determine the role of this variant in disease. Therefore, it has been classified as a Variant of Uncertain Significance. Algorithms developed to predict the effect of missense changes on protein structure and function are either unavailable or do not agree on the potential impact of this missense change (SIFT: "Deleterious"; PolyPhen-2: "Not Available"; Align-GVGD: "Class C0"). This variant has not been reported in the literature in individuals with PLEC-related conditions. This variant is not present in population databases (ExAC no frequency). This sequence change replaces leucine with proline at codon 609 of the PLEC protein (p.Leu609Pro). The leucine residue is moderately conserved and there is a moderate physicochemical difference between leucine and proline.

Revvity Omics, Revvity
Classification: Uncertain significance. Last evaluated: 2019-03-19. Review status: criteria provided, single submitter. Criteria: ACMG Guidelines, 2015. Collection method: clinical testing. Allele origin: germline.